The following is an entry in ClinVar:

ClinVar aggregate classification (germline): Uncertain significance. Review status: criteria provided, multiple submitters, no conflicts (2 of 4 stars). 2 submissions from 2 submitters: Uncertain significance (2). Last evaluated 2024-07-07.

Conditions:
Inborn genetic diseases. Identifiers: MedGen C0950123, MeSH D030342.

Allele frequency attached by ClinVar (database versions not stated): TOPMed 0.00003.

Submissions (2):

Ambry Genetics
Classification: Uncertain significance for Inborn genetic diseases. Last evaluated: 2024-07-07. Review status: criteria provided, single submitter. Criteria: Ambry Variant Classification Scheme 2023. Collection method: clinical testing. Allele origin: germline.

Labcorp Genetics (formerly Invitae), Labcorp
Classification: Uncertain significance. Last evaluated: 2022-02-22. Review status: criteria provided, single submitter. Criteria: Invitae Variant Classification Sherloc (09022015). Collection method: clinical testing. Allele origin: germline.
Comment: This sequence change replaces glycine, which is neutral and non-polar, with glutamic acid, which is acidic and polar, at codon 815 of the SKIV2L protein (p.Gly815Glu). This variant is not present in population databases (gnomAD no frequency). In summary, the available evidence is currently insufficient to determine the role of this variant in disease. Therefore, it has been classified as a Variant of Uncertain Significance. Algorithms developed to predict the effect of missense changes on protein structure and function (SIFT, PolyPhen-2, Align-GVGD) all suggest that this variant is likely to be tolerated. This variant has not been reported in the literature in individuals affected with SKIV2L-related conditions.

NM_006929.5(SKIC2):c.2444G>A (p.Gly815Glu)

Gene: SKIC2 (SKI2 subunit of superkiller complex; plus strand). Cytogenetic location: 6p21.33.
Variant type: single nucleotide variant.
Coding change: c.2444G>A on transcript NM_006929.5 (MANE Select); coding-DNA position 2444, G replaced by A.
Protein change: p.Gly815Glu; replaces glycine 815 with glutamic acid.
Molecular consequence: missense variant.
Genome position (GRCh38, 1-based): chr6:31,967,107, G>A. VCF-style: chr6-31967107-G-A. GRCh37 (hg19) VCF-style: chr6-31934884-G-A.
Other names: c.2444G>A (NM_006929.4); short protein forms G815E.
Identifiers: ClinVar variation 2102168 (VCV002102168.5), dbSNP rs1772856051, ClinGen allele CA363473416.